The following is an entry in ClinVar:

ClinVar aggregate classification (germline): not provided (0 of 4 stars; one submission).

Allele frequency attached by ClinVar (database versions not stated): gnomAD exomes below 0.00001; gnomAD 0.00001; TOPMed 0.00002.
gnomAD v4.1: 4 of 671,078 alleles (0.0006%); highest among the groups gnomAD compares: East Asian, 0.01%; no homozygotes.

Submission:

Human Evolutionary Genetics, Institut Pasteur
No classification provided. Review status: no classification provided. Collection method: not provided. Allele origin: germline.
ClinVar note: Converted during submission from untested to not provided.

NM_006092.4(NOD1):c.2454-116G>C

Gene: NOD1 (nucleotide binding oligomerization domain containing 1; minus strand). Cytogenetic location: 7p14.3.
Variant type: single nucleotide variant.
Coding change: c.2454-116G>C on transcript NM_006092.4 (MANE Select); 116 bases into the intron before coding-DNA position 2454, G replaced by C.
Molecular consequence: intron variant.
Genome position (GRCh38, 1-based): chr7:30,437,772, C>G on the plus strand (G>C on the coding strand, the complement: NOD1 is on the minus strand). VCF-style: chr7-30437772-C-G. GRCh37 (hg19) VCF-style: chr7-30477388-C-G.
Other names: c.2454-1691G>C (NM_001354849.2).
Identifiers: ClinVar variation 103102 (VCV000103102.2), dbSNP rs199476271, ClinGen allele CA230119.